The following is an entry in ClinVar:

NM_000238.4(KCNH2):c.166del (p.Arg56fs)

Gene: KCNH2 (potassium voltage-gated channel subfamily H member 2; minus strand). Cytogenetic location: 7q36.1.
Variant type: Deletion.
Coding change: c.166del on transcript NM_000238.4 (MANE Select); coding-DNA position 166, one base deleted (C; older notation c.166delC).
Protein change: p.Arg56fs; shifts the reading frame from arginine 56.
Molecular consequence: frameshift variant. On other transcripts: 5 prime UTR variant (1), non-coding transcript variant (1).
Genome position (GRCh38, 1-based): chr7:150,974,852, G deleted on the plus strand (C on the coding strand, the reverse complement: KCNH2 is on the minus strand). VCF-style (leftmost placement, unchanged base first): chr7-150974851-CG-C. GRCh37 (hg19) VCF-style: chr7-150671939-CG-C.
Other names: c.-12del (NM_001406755.1); c.166del, p.Arg56fs (NM_172056.3); short protein forms R56fs.
Identifiers: ClinVar variation 3724054 (VCV003724054.2).

ClinVar aggregate classification (germline): Pathogenic (1 of 4 stars; one submission).

Conditions:
Long QT syndrome (LQTS). Identifiers: MedGen C0023976, MeSH D008133, MONDO:0002442. Disease mechanism: loss of function. Inheritance: Various modes of inheritance.

Submission:

Labcorp Genetics (formerly Invitae), Labcorp
Classification: Pathogenic for Long QT syndrome. Last evaluated: 2025-12-21. Review status: criteria provided, single submitter. Criteria: Invitae Variant Classification Sherloc (09022015). Collection method: clinical testing. Allele origin: germline.
Comment: This sequence change creates a premature translational stop signal (p.Arg56Glyfs*4) in the KCNH2 gene. It is expected to result in an absent or disrupted protein product. Loss-of-function variants in KCNH2 are known to be pathogenic (PMID: 10973849, 19862833). This variant is not present in population databases (gnomAD no frequency). This variant has not been reported in the literature in individuals affected with KCNH2-related conditions. ClinVar contains an entry for this variant (Variation ID: 3724054). For these reasons, this variant has been classified as Pathogenic.

Literature cited by the submitters: PubMed 10973849; PubMed 19862833.